The following is an entry in ClinVar:

ClinVar aggregate classification (germline): Uncertain significance. Review status: criteria provided, multiple submitters, no conflicts (2 of 4 stars). 3 submissions from 3 submitters: Uncertain significance (3). Last evaluated 2024-10-22.

Conditions:
MEGF10-related myopathy (CMYO10A). Also called: Congenital myopathy 10A, severe variant. Identifiers: Orphanet 439212, MedGen C3280679, MONDO:0013731, OMIM 614399.
Inborn genetic diseases. Identifiers: MedGen C0950123, MeSH D030342.

Allele frequency attached by ClinVar (database versions not stated): gnomAD 0.00001; gnomAD exomes 0.00002 and 0.00007; TOPMed 0.00005; ExAC 0.00007.

Submissions (3):

Labcorp Genetics (formerly Invitae), Labcorp
Classification: Uncertain significance for MEGF10-related myopathy. Last evaluated: 2024-10-22. Review status: criteria provided, single submitter. Criteria: Invitae Variant Classification Sherloc (09022015). Collection method: clinical testing. Allele origin: germline.
Comment: This sequence change replaces methionine, which is neutral and non-polar, with valine, which is neutral and non-polar, at codon 1003 of the MEGF10 protein (p.Met1003Val). This variant is present in population databases (rs746772649, gnomAD 0.06%). This variant has not been reported in the literature in individuals affected with MEGF10-related conditions. ClinVar contains an entry for this variant (Variation ID: 851906). An algorithm developed to predict the effect of missense changes on protein structure and function (PolyPhen-2) suggests that this variant¬†is likely to be tolerated. In summary, the available evidence is currently insufficient to determine the role of this variant in disease. Therefore, it has been classified as a Variant of Uncertain Significance.

Ambry Genetics
Classification: Uncertain significance for Inborn genetic diseases. Last evaluated: 2024-05-30. Review status: criteria provided, single submitter. Criteria: Ambry Variant Classification Scheme 2023. Collection method: clinical testing. Allele origin: germline.

Breakthrough Genomics
Classification: Uncertain significance. Review status: criteria provided, single submitter. Criteria: ACMG Guidelines, 2015. Collection method: not provided. Allele origin: germline. Inheritance: Autosomal recessive inheritance. Affected: yes.

NM_001256545.2(MEGF10):c.3007A>G (p.Met1003Val)

Gene: MEGF10 (multiple EGF like domains 10; plus strand). Cytogenetic location: 5q23.2.
Variant type: single nucleotide variant.
Coding change: c.3007A>G on transcript NM_001256545.2 (MANE Select); coding-DNA position 3007, A replaced by G.
Protein change: p.Met1003Val; replaces methionine 1003 with valine.
Molecular consequence: missense variant.
Genome position (GRCh38, 1-based): chr5:127,454,592, A>G. VCF-style: chr5-127454592-A-G. GRCh37 (hg19) VCF-style: chr5-126790284-A-G.
Other names: c.3007A>G, p.Met1003Val (NM_032446.3); short protein forms M1003V.
Identifiers: ClinVar variation 851906 (VCV000851906.11), dbSNP rs746772649, ClinGen allele CA3392107.
Genomic context (GRCh38, chr5:127,454,592, plus strand): 5'-CTCACTGGGTGTTTTTTTTCTTCCTTTATTACAGGTGCTTTTGGACTTGACAGAAGCTAT[A>G]TGGGAAAATCCTTAAAAGGTATCATGTAAATTTGAAGAAGAAATCAGAAGCACAATTAAA-3'
Protein context (NP_001243474.1, residues 993-1013): LGAFGLDRSY[Met1003Val]GKSLKDLGKN